The following is an entry in ClinVar:

NM_001323289.2(CDKL5):c.404-2_412del

Gene: CDKL5 (cyclin dependent kinase like 5; plus strand). Cytogenetic location: Xp22.13.
Variant type: Deletion.
Coding change: c.404-2_412del on transcript NM_001323289.2 (MANE Select); the canonical splice acceptor site of the intron before coding-DNA position 404 through coding-DNA position 412, 11 bases deleted (AGATATAAAAC).
Molecular consequence: splice acceptor variant.
Genome position (GRCh38, 1-based): chrX:18,581,889-18,581,899, AGATATAAAAC deleted; deleting any 11 consecutive bases within chrX:18,581,888-18,581,899 gives the same sequence; the c. name uses the placement nearest the transcript's 3' end. VCF-style (leftmost placement, unchanged base first): chrX-18581887-CCAGATATAAAA-C. GRCh37 (hg19) VCF-style: chrX-18600007-CCAGATATAAAA-C.
Other names: c.404-2_412del (NM_003159.3, NM_001037343.2).
Identifiers: ClinVar variation 1067235 (VCV001067235.7), dbSNP rs2147143992, ClinGen allele CA2499226532.
Genomic context (GRCh38, chrX:18,581,887, plus strand): 5'-AACAGTGTCAATCAGGAGAACATAGAACATTTTTACTAATTTTTTTTTTATCTTGACACT[CCAGATATAAAA>C]CCAGAAAATCTCTTAATCAGCCACAATGATGTCCTAAAACTGTGTGACTTTGGTAAGTTA-3'

ClinVar aggregate classification (germline): Likely pathogenic (1 of 4 stars; one submission).

Conditions:
Angelman syndrome-like. Identifiers: MedGen CN128785.
Developmental and epileptic encephalopathy, 2 (DEE2). Also called: INFANTILE SPASM SYNDROME, X-LINKED 2; CDKL5 deficiency disorder. Identifiers: Orphanet 1934, Orphanet 3451, Orphanet 505652, MedGen C4750718, MONDO:0010396, OMIM 300672.

Submission:

Labcorp Genetics (formerly Invitae), Labcorp
Classification: Likely pathogenic for Developmental and epileptic encephalopathy, 2; Angelman syndrome-like. Last evaluated: 2020-04-26. Review status: criteria provided, single submitter. Criteria: Invitae Variant Classification Sherloc (09022015). Collection method: clinical testing. Allele origin: germline.
Comment: In summary, the currently available evidence indicates that the variant is pathogenic, but additional data are needed to prove that conclusively. Therefore, this variant has been classified as Likely Pathogenic. Loss-of-function variants in CDKL5 are known to be pathogenic (PMID: 22872100). Algorithms developed to predict the effect of sequence changes on RNA splicing suggest that this variant may disrupt the consensus splice site, but this prediction has not been confirmed by published transcriptional studies. This variant has not been reported in the literature in individuals with CDKL5-related conditions. This variant is not present in population databases (ExAC no frequency). This variant results in the deletion of part of exon 2 (c.404-2_412del) of the CDKL5 gene. It is expected to disrupt RNA splicing and likely results in an absent or disrupted protein product.

Literature cited by the submitters: PubMed 22872100.